The following is an entry in ClinVar:

NM_032019.6(HDAC10):c.1783G>A (p.Ala595Thr)

Gene: HDAC10 (histone deacetylase 10; minus strand). Cytogenetic location: 22q13.33.
Variant type: single nucleotide variant.
Coding change: c.1783G>A on transcript NM_032019.6 (MANE Select); coding-DNA position 1783, G replaced by A.
Protein change: p.Ala595Thr; replaces alanine 595 with threonine.
Molecular consequence: missense variant.
Genome position (GRCh38, 1-based): chr22:50,245,960, C>T on the plus strand (G>A on the coding strand, the complement: HDAC10 is on the minus strand). VCF-style: chr22-50245960-C-T. GRCh37 (hg19) VCF-style: chr22-50684389-C-T.
Other names: c.1723G>A, p.Ala575Thr (NM_001159286.2); short protein forms A575T, A595T.
Identifiers: ClinVar variation 5038536 (VCV005038536.1).

ClinVar aggregate classification (germline): Likely benign (1 of 4 stars; one submission).

gnomAD v4.1: 283 of 1,605,326 alleles (0.018%); highest among the groups gnomAD compares: Middle Eastern, 0.033%; no homozygotes.

Submission:

CeGaT Center for Human Genetics Tuebingen
Classification: Likely benign. Last evaluated: 2026-07-01. Review status: criteria provided, single submitter. Criteria: CeGaT Center For Human Genetics Tuebingen Variant Classification Criteria Version 2. Collection method: clinical testing. Allele origin: germline. Affected: yes. Observed: 1 variant allele.
Comment: HDAC10: BP4